The following is an entry in ClinVar:

ClinVar aggregate classification (germline): Uncertain significance (0 of 4 stars; one submission).

Conditions:
F5-related disorder. Also called: F5-related condition.

Allele frequency attached by ClinVar (database versions not stated): TOPMed 0.00001; gnomAD 0.00002; gnomAD exomes 0.00002.

Submission:

PreventionGenetics, part of Exact Sciences
Classification: Uncertain significance for F5-related condition. Last evaluated: 2024-06-20. Review status: no assertion criteria provided. Collection method: clinical testing. Allele origin: germline.
Comment: The F5 c.2001T>G variant is predicted to result in the amino acid substitution p.Asn667Lys. To our knowledge, this variant has not been reported in the literature. This variant is reported in 0.00089% of alleles in individuals of European (Non-Finnish) descent in gnomAD. At this time, the clinical significance of this variant is uncertain due to the absence of conclusive functional and genetic evidence.

NM_000130.5(F5):c.2001T>G (p.Asn667Lys)

Gene: F5 (coagulation factor V; minus strand). Cytogenetic location: 1q24.2.
Variant type: single nucleotide variant.
Coding change: c.2001T>G on transcript NM_000130.5 (MANE Select); coding-DNA position 2001, T replaced by G.
Protein change: p.Asn667Lys; replaces asparagine 667 with lysine.
Molecular consequence: missense variant.
Genome position (GRCh38, 1-based): chr1:169,543,089, A>C on the plus strand (T>G on the coding strand, the complement: F5 is on the minus strand). VCF-style: chr1-169543089-A-C. GRCh37 (hg19) VCF-style: chr1-169512327-A-C.
Other names: short protein forms N667K.
Identifiers: ClinVar variation 2634690 (VCV002634690.2), dbSNP rs915081084, ClinGen allele CA32385694.
Genomic context (GRCh38, chr1:169,543,089, plus strand): 5'-ATCTGGGATACATTTAACATCCCTGAATTTCAGCCTCAGCTTTTTGCTTCTTGGACTAGA[A>C]TTCATGGAAGTTAACATCCAAGTTCCTACAGAAGAGAGACAGACAGAAGAGAGATCTGGA-3'
Protein context (NP_000121.2, residues 657-677): NVGTWMLTSM[Asn667Lys]SSPRSKKLRL